The following is an entry in ClinVar:

ClinVar aggregate classification (germline): Uncertain significance. Review status: criteria provided, multiple submitters, no conflicts (2 of 4 stars). 2 submissions from 2 submitters: Uncertain significance (2). Last evaluated 2025-01-13.

Conditions:
Inborn genetic diseases. Identifiers: MedGen C0950123, MeSH D030342.

gnomAD v4.1: 6 of 1,614,108 alleles (0.00037%); highest among the groups gnomAD compares: African/African-American, 0.0013%; no homozygotes.

Submissions (2):

Ambry Genetics
Classification: Uncertain significance for Inborn genetic diseases. Last evaluated: 2025-01-13. Review status: criteria provided, single submitter. Criteria: Ambry Variant Classification Scheme 2023. Collection method: clinical testing. Allele origin: germline.
Comment: The p.T523A variant (also known as c.1567A>G), located in coding exon 11 of the BMPR2 gene, results from an A to G substitution at nucleotide position 1567. The threonine at codon 523 is replaced by alanine, an amino acid with similar properties. This amino acid position is conserved. In addition, the in silico prediction for this alteration is inconclusive. Based on the available evidence, the clinical significance of this variant remains unclear.

GeneDx
Classification: Uncertain significance. Last evaluated: 2025-01-03. Review status: criteria provided, single submitter. Criteria: GeneDx Variant Classification Process June 2021. Collection method: clinical testing. Allele origin: germline.
Comment: Not observed at significant frequency in large population cohorts (gnomAD); In silico analysis indicates that this missense variant does not alter protein structure/function; Has not been previously published as pathogenic or benign to our knowledge

NM_001204.7(BMPR2):c.1567A>G (p.Thr523Ala)

Gene: BMPR2 (bone morphogenetic protein receptor type 2; plus strand). Cytogenetic location: 2q33.2.
Variant type: single nucleotide variant.
Coding change: c.1567A>G on transcript NM_001204.7 (MANE Select); coding-DNA position 1567, A replaced by G.
Protein change: p.Thr523Ala; replaces threonine 523 with alanine.
Molecular consequence: missense variant.
Genome position (GRCh38, 1-based): chr2:202,552,869, A>G. VCF-style: chr2-202552869-A-G. GRCh37 (hg19) VCF-style: chr2-203417592-A-G.
Other names: short protein forms T523A.
Identifiers: ClinVar variation 3375544 (VCV003375544.3).